The following is an entry in ClinVar:

ClinVar aggregate classification (germline): Uncertain significance (1 of 4 stars; one submission).

Conditions:
Charcot-Marie-Tooth disease, type I (CMT1). Also called: Charcot-Marie-Tooth disease type 1; Charcot-Marie-Tooth, Type 1. Identifiers: Orphanet 65753, MedGen C0751036, MONDO:0019011.

gnomAD v4.1: 1 of 1,614,176 alleles (0.000062%); highest among the groups gnomAD compares: African/African-American, 0.0013%; no homozygotes.

Submission:

Labcorp Genetics (formerly Invitae), Labcorp
Classification: Uncertain significance for Charcot-Marie-Tooth disease, type I. Last evaluated: 2024-10-06. Review status: criteria provided, single submitter. Criteria: Invitae Variant Classification Sherloc (09022015). Collection method: clinical testing. Allele origin: germline.
Comment: This sequence change replaces phenylalanine, which is neutral and non-polar, with leucine, which is neutral and non-polar, at codon 176 of the MPZ protein (p.Phe176Leu). This variant is not present in population databases (gnomAD no frequency). This variant has not been reported in the literature in individuals affected with MPZ-related conditions. Invitae Evidence Modeling of protein sequence and biophysical properties (such as structural, functional, and spatial information, amino acid conservation, physicochemical variation, residue mobility, and thermodynamic stability) indicates that this missense variant is not expected to disrupt MPZ protein function with a negative predictive value of 80%. In summary, the available evidence is currently insufficient to determine the role of this variant in disease. Therefore, it has been classified as a Variant of Uncertain Significance.

NM_000530.8(MPZ):c.528C>G (p.Phe176Leu)

Gene: MPZ (myelin protein zero; minus strand). Cytogenetic location: 1q23.3.
Variant type: single nucleotide variant.
Coding change: c.528C>G on transcript NM_000530.8 (MANE Select); coding-DNA position 528, C replaced by G.
Protein change: p.Phe176Leu; replaces phenylalanine 176 with leucine.
Molecular consequence: missense variant.
Genome position (GRCh38, 1-based): chr1:161,306,385, G>C on the plus strand (C>G on the coding strand, the complement: MPZ is on the minus strand). VCF-style: chr1-161306385-G-C. GRCh37 (hg19) VCF-style: chr1-161276175-G-C.
Other names: c.528C>G, p.Phe176Leu (NM_001315491.2); short protein forms F176L.
Identifiers: ClinVar variation 3693201 (VCV003693201.2).